The following is an entry in ClinVar:

NM_004655.4(AXIN2):c.774G>A (p.Thr258=)

Gene: AXIN2 (axin 2; minus strand). Cytogenetic location: 17q24.1.
Variant type: single nucleotide variant.
Coding change: c.774G>A on transcript NM_004655.4 (MANE Select); coding-DNA position 774, G replaced by A.
Protein change: p.Thr258=; no amino-acid change (threonine 258 retained).
Molecular consequence: synonymous variant.
Genome position (GRCh38, 1-based): chr17:65,557,847, C>T on the plus strand (G>A on the coding strand, the complement: AXIN2 is on the minus strand). VCF-style: chr17-65557847-C-T. GRCh37 (hg19) VCF-style: chr17-63553965-C-T.
Other names: c.774G>A, p.Thr258= (NM_001363813.1).
Identifiers: ClinVar variation 715293 (VCV000715293.14), dbSNP rs776060531, ClinGen allele CA8718991.

ClinVar aggregate classification (germline): Benign/Likely benign. Review status: criteria provided, multiple submitters, no conflicts (2 of 4 stars). 3 submissions from 3 submitters: Benign (1); Likely benign (2). Last evaluated 2025-02-06.

Conditions:
Hereditary cancer-predisposing syndrome. Also called: Hereditary Cancer Syndrome; Tumor predisposition; Hereditary neoplastic syndrome; Neoplastic Syndromes, Hereditary. Identifiers: Orphanet 140162, MedGen C0027672, MeSH D009386, MONDO:0015356.
Oligodontia-cancer predisposition syndrome. Also called: TOOTH AGENESIS-COLORECTAL CANCER SYNDROME. Identifiers: Orphanet 300576, MedGen C1837750, MONDO:0012075, OMIM 608615. Disease mechanism: loss of function.

Allele frequency attached by ClinVar (database versions not stated): gnomAD exomes 0.00001; ExAC 0.00002; gnomAD 0.00002; TOPMed 0.00002.
gnomAD v4.1: 3 of 1,614,102 alleles (0.00019%); highest among the groups gnomAD compares: African/African-American, 0.004%; no homozygotes.

Submissions (3):

Labcorp Genetics (formerly Invitae), Labcorp
Classification: Likely benign for Oligodontia-cancer predisposition syndrome. Last evaluated: 2025-02-06. Review status: criteria provided, single submitter. Criteria: Invitae Variant Classification Sherloc (09022015). Collection method: clinical testing. Allele origin: germline.

Myriad Genetics, Inc.
Classification: Benign for Oligodontia-cancer predisposition syndrome. Last evaluated: 2024-06-27. Review status: criteria provided, single submitter. Criteria: Myriad Autosomal Dominant, Autosomal Recessive and X-Linked Classification Criteria (2023). Collection method: clinical testing. Allele origin: unknown.
Comment: This variant is considered benign. This variant is a silent/synonymous amino acid change and it is not expected to impact splicing.

Ambry Genetics
Classification: Likely benign for Hereditary cancer-predisposing syndrome. Last evaluated: 2020-09-22. Review status: criteria provided, single submitter. Criteria: Ambry Variant Classification Scheme 2023. Collection method: clinical testing. Allele origin: germline.